The following is an entry in ClinVar:

ClinVar aggregate classification (germline): Uncertain significance. Review status: criteria provided, multiple submitters, no conflicts (2 of 4 stars). 2 submissions from 2 submitters: Uncertain significance (2). Last evaluated 2025-08-04.

Conditions:
Inborn genetic diseases. Identifiers: MedGen C0950123, MeSH D030342.

Allele frequency attached by ClinVar (database versions not stated): gnomAD exomes below 0.00001; TOPMed below 0.00001; ExAC 0.00001; gnomAD 0.00001; 1000 Genomes Project 0.00020; 1000 Genomes Project 30x 0.00031.
gnomAD v4.1: 1 of 1,613,358 alleles (0.000062%); highest among the groups gnomAD compares: East Asian, 0.0022%; no homozygotes.

Submissions (2):

Labcorp Genetics (formerly Invitae), Labcorp
Classification: Uncertain significance. Last evaluated: 2025-08-04. Review status: criteria provided, single submitter. Criteria: Invitae Variant Classification Sherloc (09022015). Collection method: clinical testing. Allele origin: germline.
Comment: This sequence change replaces leucine, which is neutral and non-polar, with valine, which is neutral and non-polar, at codon 460 of the ERCC6L2 protein (p.Leu460Val). This variant is not present in population databases (gnomAD no frequency). This variant has not been reported in the literature in individuals affected with ERCC6L2-related conditions. ClinVar contains an entry for this variant (Variation ID: 1492606). Experimental studies and prediction algorithms are not available or were not evaluated, and the functional significance of this variant is currently unknown. In summary, the available evidence is currently insufficient to determine the role of this variant in disease. Therefore, it has been classified as a Variant of Uncertain Significance.

Ambry Genetics
Classification: Uncertain significance for Inborn genetic diseases. Last evaluated: 2024-11-18. Review status: criteria provided, single submitter. Criteria: Ambry Variant Classification Scheme 2023. Collection method: clinical testing. Allele origin: germline.
Comment: The p.L449V variant (also known as c.1345C>G), located in coding exon 8 of the ERCC6L2 gene, results from a C to G substitution at nucleotide position 1345. The leucine at codon 449 is replaced by valine, an amino acid with highly similar properties. This amino acid position is conserved. In addition, the in silico prediction for this alteration is inconclusive. Based on the available evidence, the clinical significance of this variant remains unclear.

NM_020207.7(ERCC6L2):c.1345C>G (p.Leu449Val)

Gene: ERCC6L2 (ERCC excision repair 6 like 2; plus strand). Cytogenetic location: 9q22.32.
Variant type: single nucleotide variant.
Coding change: c.1345C>G on transcript NM_020207.7 (MANE Select); coding-DNA position 1345, C replaced by G.
Protein change: p.Leu449Val; replaces leucine 449 with valine.
Molecular consequence: missense variant. On other transcripts: non-coding transcript variant (1).
Genome position (GRCh38, 1-based): chr9:95,922,350, C>G. VCF-style: chr9-95922350-C-G. GRCh37 (hg19) VCF-style: chr9-98684632-C-G.
Other names: c.1345C>G, p.Leu449Val (NM_001010895.4, NM_001375291.1, NM_001375292.1 and 2 more transcripts); short protein forms L449V.
Identifiers: ClinVar variation 1492606 (VCV001492606.9), dbSNP rs202143780, ClinGen allele CA5139535.
Genomic context (GRCh38, chr9:95,922,350, plus strand): 5'-TTTTTCTGGTTACAGACCAATTCTCATGGTGAAACAGTGAAAACCTTGTATCTCAGTTAC[C>G]TTACAGTCCTTCAGAAGGTAGCTAACCATGTCGCGCTACTGCAAGCTGCTAGTACTTCCA-3'
Protein context (NP_064592.3, residues 439-459): ETVKTLYLSY[Leu449Val]TVLQKVANHV